The following is an entry in ClinVar:

ClinVar aggregate classification (germline): Uncertain significance. Review status: criteria provided, multiple submitters, no conflicts (2 of 4 stars). 2 submissions from 2 submitters: Uncertain significance (2). Last evaluated 2026-06-18.

Conditions:
Fanconi anemia (FA). Also called: Fanconi's anemia. Identifiers: Orphanet 84, MedGen C0015625, MeSH D005199, MONDO:0019391.
Inborn genetic diseases. Identifiers: MedGen C0950123, MeSH D030342.

gnomAD v4.1: 1 of 1,614,154 alleles (0.000062%); highest among the groups gnomAD compares: Admixed American, 0.0017%; no homozygotes.

Submissions (2):

Ambry Genetics
Classification: Uncertain significance for Inborn genetic diseases. Last evaluated: 2026-06-18. Review status: criteria provided, single submitter. Criteria: Ambry Variant Classification Scheme 2023. Collection method: clinical testing. Allele origin: germline.
Comment: The p.V1862L variant (also known as c.5584G>T), located in coding exon 21 of the FANCM gene, results from a G to T substitution at nucleotide position 5584. The valine at codon 1862 is replaced by leucine, an amino acid with highly similar properties. This amino acid position is conserved. In addition, this alteration is predicted to be tolerated by in silico analysis. Based on the available evidence, the clinical significance of this variant remains unclear.

Labcorp Genetics (formerly Invitae), Labcorp
Classification: Uncertain significance for Fanconi anemia. Last evaluated: 2024-08-10. Review status: criteria provided, single submitter. Criteria: Invitae Variant Classification Sherloc (09022015). Collection method: clinical testing. Allele origin: germline.
Comment: This sequence change replaces valine, which is neutral and non-polar, with leucine, which is neutral and non-polar, at codon 1862 of the FANCM protein (p.Val1862Leu). This variant is present in population databases (no rsID available, gnomAD 0.003%). This variant has not been reported in the literature in individuals affected with FANCM-related conditions. An algorithm developed to predict the effect of missense changes on protein structure and function (PolyPhen-2) suggests that this variant is likely to be disruptive. In summary, the available evidence is currently insufficient to determine the role of this variant in disease. Therefore, it has been classified as a Variant of Uncertain Significance.

NM_020937.4(FANCM):c.5584G>T (p.Val1862Leu)

Gene: FANCM (FA complementation group M; plus strand). Cytogenetic location: 14q21.2.
Variant type: single nucleotide variant.
Coding change: c.5584G>T on transcript NM_020937.4 (MANE Select); coding-DNA position 5584, G replaced by T.
Protein change: p.Val1862Leu; replaces valine 1862 with leucine.
Molecular consequence: missense variant.
Genome position (GRCh38, 1-based): chr14:45,196,415, G>T. VCF-style: chr14-45196415-G-T. GRCh37 (hg19) VCF-style: chr14-45665618-G-T.
Other names: c.5506G>T, p.Val1836Leu (NM_001308133.2); short protein forms V1862L, V1836L.
Identifiers: ClinVar variation 3705777 (VCV003705777.3).